The following is an entry in ClinVar:

NM_003126.4(SPTA1):c.4651C>T (p.Arg1551Ter)

Gene: SPTA1 (spectrin alpha, erythrocytic 1; minus strand). Cytogenetic location: 1q23.1.
Variant type: single nucleotide variant.
Coding change: c.4651C>T on transcript NM_003126.4 (MANE Select); coding-DNA position 4651, C replaced by T.
Protein change: p.Arg1551Ter; replaces arginine 1551 with a stop codon.
Molecular consequence: nonsense.
Genome position (GRCh38, 1-based): chr1:158,642,497, G>A on the plus strand (C>T on the coding strand, the complement: SPTA1 is on the minus strand). VCF-style: chr1-158642497-G-A. GRCh37 (hg19) VCF-style: chr1-158612287-G-A.
Other names: p.Arg1551*; short protein forms R1551*.
Identifiers: ClinVar variation 2892636 (VCV002892636.5), dbSNP rs777656764, ClinGen allele CA1182613.

ClinVar aggregate classification (germline): Pathogenic/Likely pathogenic. Review status: criteria provided, multiple submitters, no conflicts (2 of 4 stars). 3 submissions from 3 submitters: Pathogenic (1); Likely pathogenic (2). Last evaluated 2025-12-14.

gnomAD v4.1: 6 of 1,613,566 alleles (0.00037%); highest among the groups gnomAD compares: Non-Finnish European, 0.00042%; no homozygotes.

Submissions (3):

Labcorp Genetics (formerly Invitae), Labcorp
Classification: Pathogenic. Last evaluated: 2025-12-14. Review status: criteria provided, single submitter. Criteria: Invitae Variant Classification Sherloc (09022015). Collection method: clinical testing. Allele origin: germline.
Comment: This sequence change creates a premature translational stop signal (p.Arg1551*) in the SPTA1 gene. It is expected to result in an absent or disrupted protein product. Loss-of-function variants in SPTA1 are known to be pathogenic (PMID: 9192783, 18815189, 31333484, 31723846, 32266426). This variant is present in population databases (rs777656764, gnomAD 0.0009%). This variant has not been reported in the literature in individuals affected with SPTA1-related conditions. ClinVar contains an entry for this variant (Variation ID: 2892636). For these reasons, this variant has been classified as Pathogenic.

Mayo Clinic Laboratories, Mayo Clinic
Classification: Likely pathogenic. Last evaluated: 2024-05-31. Review status: criteria provided, single submitter. Criteria: ACMG Guidelines, 2015. Collection method: clinical testing. Allele origin: germline. Observed: 1 variant allele.
Comment: PM2_moderate, PVS1

Revvity Omics, Revvity
Classification: Likely pathogenic. Last evaluated: 2023-11-29. Review status: criteria provided, single submitter. Criteria: ACMG Guidelines, 2015. Collection method: clinical testing. Allele origin: germline.

Literature cited by the submitters: PubMed 9192783 (cited by Labcorp Genetics (formerly Invitae), Labcorp); PubMed 18815189 (cited by Labcorp Genetics (formerly Invitae), Labcorp); PubMed 31333484 (cited by Labcorp Genetics (formerly Invitae), Labcorp); PubMed 31723846 (cited by Labcorp Genetics (formerly Invitae), Labcorp); PubMed 32266426 (cited by Labcorp Genetics (formerly Invitae), Labcorp).